The following is an entry in ClinVar:

NM_000038.6(APC):c.2260del (p.Val754fs)

Gene: APC (APC regulator of WNT signaling pathway; plus strand). Cytogenetic location: 5q22.2.
Variant type: Deletion.
Coding change: c.2260del on transcript NM_000038.6 (MANE Select); coding-DNA position 2260, one base deleted (G; older notation c.2260delG).
Protein change: p.Val754fs; shifts the reading frame from valine 754.
Molecular consequence: frameshift variant.
Genome position (GRCh38, 1-based): chr5:112,837,854, G deleted. VCF-style (leftmost placement, unchanged base first): chr5-112837853-TG-T. GRCh37 (hg19) VCF-style: chr5-112173550-TG-T.
Other names: c.2260del, p.Val754fs (NM_001127510.3, NM_001354895.2); c.2206del, p.Val736fs (NM_001127511.3); c.2314del, p.Val772fs (NM_001354896.2); c.2290del, p.Val764fs (NM_001354897.2); c.2185del, p.Val729fs (NM_001354898.2); c.2176del, p.Val726fs (NM_001354899.2); c.2137del, p.Val713fs (NM_001354900.2); c.2083del, p.Val695fs (NM_001354901.2); and 5 more; short protein forms V471fs, V594fs, V628fs, V653fs, V663fs, V695fs, V713fs, V726fs.
Identifiers: ClinVar variation 1163451 (VCV001163451.5), dbSNP rs2149864798, ClinGen allele CA2499217456.
Genomic context (GRCh38, chr5:112,837,853, plus strand): 5'-GCCTGCGAAGTACAAGGATGCCAATATTATGTCTCCTGGCTCAAGCTTGCCATCTCTTCA[TG>T]TTAGGAAACAAAAAGCCCTAGAAGCAGAATTAGATGCTCAGCACTTATCAGAAACTTTTG-3'

ClinVar aggregate classification (germline): Likely pathogenic (1 of 4 stars; one submission).

Submission:

Mayo Clinic Laboratories, Mayo Clinic
Classification: Likely pathogenic. Last evaluated: 2020-04-30. Review status: criteria provided, single submitter. Criteria: ACMG Guidelines, 2015. Collection method: clinical testing. Allele origin: germline. Observed: 2 variant alleles.
Comment: PVS1_Strong, PM2